The following is an entry in ClinVar:

ClinVar aggregate classification (germline): Uncertain significance (1 of 4 stars; one submission).

Conditions:
Inborn genetic diseases. Identifiers: MedGen C0950123, MeSH D030342.

Submission:

Ambry Genetics
Classification: Uncertain significance for Inborn genetic diseases. Last evaluated: 2026-08-14. Review status: criteria provided, single submitter. Criteria: Ambry Variant Classification Scheme 2023. Collection method: clinical testing. Allele origin: germline.
Comment: The p.H56Q variant (also known as c.168C>G), located in coding exon 2 of the HAX1 gene, results from a C to G substitution at nucleotide position 168. The histidine at codon 56 is replaced by glutamine, an amino acid with highly similar properties. This amino acid position is conserved. In addition, this alteration is predicted to be tolerated by in silico analysis. Based on the available evidence, the clinical significance of this variant remains unclear.

NM_006118.4(HAX1):c.168C>G (p.His56Gln)

Gene: HAX1 (HCLS1 associated protein X-1; plus strand). Cytogenetic location: 1q21.3.
Variant type: single nucleotide variant.
Coding change: c.168C>G on transcript NM_006118.4 (MANE Select); coding-DNA position 168, C replaced by G.
Protein change: p.His56Gln; replaces histidine 56 with glutamine.
Molecular consequence: missense variant. On other transcripts: intron variant (1).
Genome position (GRCh38, 1-based): chr1:154,273,450, C>G. VCF-style: chr1-154273450-C-G. GRCh37 (hg19) VCF-style: chr1-154245926-C-G.
Other names: c.54-30C>G (NM_001018837.2); short protein forms H56Q.
Identifiers: ClinVar variation 5022589 (VCV005022589.1).